The following is an entry in ClinVar:

ClinVar aggregate classification (germline): Conflicting classifications of pathogenicity. Review status: criteria provided, conflicting classifications (1 of 4 stars). 4 submissions from 4 submitters: Uncertain significance (2); Benign (2). Last evaluated 2026-07-07.

Conditions:
Hereditary cancer-predisposing syndrome. Also called: Tumor predisposition; Neoplastic Syndromes, Hereditary; Hereditary Cancer Syndrome; Hereditary neoplastic syndrome. Identifiers: Orphanet 140162, MedGen C0027672, MeSH D009386, MONDO:0015356.
Hereditary diffuse gastric adenocarcinoma (HDGC). Also called: DIFFUSE GASTRIC AND LOBULAR BREAST CANCER SYNDROME. Identifiers: Orphanet 26106, MedGen C1708349, MONDO:0007648, OMIM 137215.

Allele frequency attached by ClinVar (database versions not stated): gnomAD exomes below 0.00001.

Submissions (4):

Ambry Genetics
Classification: Benign for Hereditary cancer-predisposing syndrome. Last evaluated: 2026-07-07. Review status: criteria provided, single submitter. Criteria: Ambry Variant Classification Scheme 2023. Collection method: clinical testing. Allele origin: germline.

Labcorp Genetics (formerly Invitae), Labcorp
Classification: Benign for Hereditary diffuse gastric adenocarcinoma. Last evaluated: 2025-12-14. Review status: criteria provided, single submitter. Criteria: Invitae Variant Classification Sherloc (09022015). Collection method: clinical testing. Allele origin: germline.

GeneDx
Classification: Uncertain significance. Last evaluated: 2024-05-22. Review status: criteria provided, single submitter. Criteria: GeneDx Variant Classification Process June 2021. Collection method: clinical testing. Allele origin: germline. Affected: yes.
Comment: Not observed at significant frequency in large population cohorts (gnomAD); In silico analysis indicates that this missense variant does not alter protein structure/function; Has not been previously published as pathogenic or benign to our knowledge; This variant is associated with the following publications: (PMID: 15235021, 22850631)

Color Diagnostics, LLC DBA Color Health
Classification: Uncertain significance for Hereditary cancer-predisposing syndrome. Last evaluated: 2024-03-06. Review status: criteria provided, single submitter. Criteria: ACMG Guidelines, 2015. Collection method: clinical testing. Allele origin: germline.
Comment: This missense variant replaces threonine with alanine at codon 303 of the CDH1 protein. Computational prediction suggests that this variant may not impact protein structure and function (internally defined REVEL score threshold <= 0.5, PMID: 27666373). Splice site prediction tools suggest that this variant may not impact RNA splicing. To our knowledge, functional studies have not been performed for this variant. This variant has not been reported in individuals affected with hereditary cancer in the literature. This variant has been identified in 1/251470 chromosomes in the general population by the Genome Aggregation Database (gnomAD). The available evidence is insufficient to determine the role of this variant in disease conclusively. Therefore, this variant is classified as a Variant of Uncertain Significance.

NM_004360.5(CDH1):c.907A>G (p.Thr303Ala)

Gene: CDH1 (cadherin 1; plus strand). Cytogenetic location: 16q22.1.
Variant type: single nucleotide variant.
Coding change: c.907A>G on transcript NM_004360.5 (MANE Select); coding-DNA position 907, A replaced by G.
Protein change: p.Thr303Ala; replaces threonine 303 with alanine.
Molecular consequence: missense variant. On other transcripts: 5 prime UTR variant (2).
Genome position (GRCh38, 1-based): chr16:68,811,758, A>G. VCF-style: chr16-68811758-A-G. GRCh37 (hg19) VCF-style: chr16-68845661-A-G.
Other names: c.907A>G (LRG_301t1); c.907A>G, p.Thr303Ala (NM_001317184.2); c.-709A>G (NM_001317185.2); c.-913A>G (NM_001317186.2); short protein forms T303A.
Identifiers: ClinVar variation 234865 (VCV000234865.24), dbSNP rs876660744, ClinGen allele CA10577539.